The following is an entry in ClinVar:

ClinVar aggregate classification (germline): Pathogenic. Review status: criteria provided, multiple submitters, no conflicts (2 of 4 stars). 2 submissions from 2 submitters: Pathogenic (2). Last evaluated 2025-06-29.

Conditions:
Neurofibromatosis, type 1 (NF1). Also called: VON RECKLINGHAUSEN DISEASE; Peripheral type neurofibromatosis; NEUROFIBROMATOSIS, TYPE I, SOMATIC; Neurofibromatosis, type I. Identifiers: Orphanet 636, MedGen C0027831, MONDO:0018975, OMIM 162200. Disease mechanism: loss of function.

Submissions (2):

Labcorp Genetics (formerly Invitae), Labcorp
Classification: Pathogenic for Neurofibromatosis, type 1. Last evaluated: 2025-06-29. Review status: criteria provided, single submitter. Criteria: Invitae Variant Classification Sherloc (09022015). Collection method: clinical testing. Allele origin: germline.
Comment: This variant results in the deletion of part of exon 40 (c.5997_6084+57del) of the NF1 gene. It is expected to disrupt RNA splicing. Variants that disrupt the donor or acceptor splice site typically lead to a loss of protein function (PMID: 16199547), and loss-of-function variants in NF1 are known to be pathogenic (PMID: 10712197, 23913538). This variant is not present in population databases (gnomAD no frequency). This variant has been observed in individuals with clinical features of neurofibromatosis type 1 (PMID: 22222937; internal data). ClinVar contains an entry for this variant (Variation ID: 1074021). For these reasons, this variant has been classified as Pathogenic.

GeneDx
Classification: Pathogenic. Last evaluated: 2023-08-31. Review status: criteria provided, single submitter. Criteria: GeneDx Variant Classification Process June 2021. Collection method: clinical testing. Allele origin: germline. Affected: yes.
Comment: Deletion including a canonical splice site predicted to result in a null allele in a gene for which loss of function is a known mechanism of disease; Not observed at significant frequency in large population cohorts (gnomAD); Has not been previously published as pathogenic or benign to our knowledge

Literature cited by the submitters: PubMed 16199547 (cited by Labcorp Genetics (formerly Invitae), Labcorp); PubMed 10712197 (cited by Labcorp Genetics (formerly Invitae), Labcorp); PubMed 23913538 (cited by Labcorp Genetics (formerly Invitae), Labcorp); PubMed 22222937 (cited by Labcorp Genetics (formerly Invitae), Labcorp).

NM_001042492.3(NF1):c.6060_6147+57del

Gene: NF1 (neurofibromin 1; plus strand). Cytogenetic location: 17q11.2.
Variant type: Deletion.
Coding change: c.6060_6147+57del on transcript NM_001042492.3 (MANE Select); coding-DNA position 6060 through 57 bases into the intron after coding-DNA position 6147, 145 bases deleted.
Molecular consequence: splice donor variant.
Genome position (GRCh38, 1-based): chr17:31,336,386-31,336,530, 145 bases deleted. GRCh37 (hg19): chr17:29,663,404-29,663,548.
Other names: c.5997_6084+57del (NM_000267.4).
Identifiers: ClinVar variation 1074021 (VCV001074021.6), dbSNP rs2151553312, ClinGen allele CA2499224182.